The following is an entry in ClinVar:

NM_000059.4(BRCA2):c.1774_1777del (p.Tyr592fs)

Gene: BRCA2 (BRCA2 DNA repair associated; plus strand). Cytogenetic location: 13q13.1.
Variant type: Deletion.
Coding change: c.1774_1777del on transcript NM_000059.4 (MANE Select); coding-DNA positions 1774 to 1777, 4 bases deleted (TATG; older notation c.1774_1777delTATG).
Protein change: p.Tyr592fs; shifts the reading frame from tyrosine 592.
Molecular consequence: frameshift variant.
Genome position (GRCh38, 1-based): chr13:32,333,252-32,333,255, TATG deleted. VCF-style (leftmost placement, unchanged base first): chr13-32333251-TTATG-T. GRCh37 (hg19) VCF-style: chr13-32907388-TTATG-T.
Other names: 2002delTATG; short protein forms Y592fs.
Identifiers: ClinVar variation 266658 (VCV000266658.5), dbSNP rs886040387, ClinGen allele CA10589117.

ClinVar aggregate classification (germline): Pathogenic. Review status: reviewed by expert panel (3 of 4 stars). 2 submissions from 2 submitters: Pathogenic (1). 1 of the submissions does not count toward it. Last evaluated 2016-10-18.

Conditions:
Breast-ovarian cancer, familial, susceptibility to, 2 (BROVCA2). Also called: BRCA2 Hereditary Breast and Ovarian Cancer. Identifiers: Orphanet 145, MedGen C2675520, MONDO:0012933, OMIM 612555. Disease mechanism: loss of function.

Submissions (2):

Evidence-based Network for the Interpretation of Germline Mutant Alleles (ENIGMA)
Classification: Pathogenic for Breast-ovarian cancer, familial, susceptibility to, 2. Last evaluated: 2016-10-18. Review status: reviewed by expert panel. Criteria: ENIGMA BRCA1/2 Classification Criteria (2015). Collection method: curation. Allele origin: germline.
Comment: Variant allele predicted to encode a truncated non-functional protein.

Consortium of Investigators of Modifiers of BRCA1/2 (CIMBA), c/o University of Cambridge
Classification: Pathogenic for Breast-ovarian cancer, familial, susceptibility to, 2. Last evaluated: 2015-10-02. Review status: criteria provided, single submitter. Criteria: CIMBA Mutation Classification guidelines May 2016. Collection method: clinical testing. Allele origin: germline. Not counted in ClinVar's aggregate classification.